The following is an entry in ClinVar:

ClinVar aggregate classification (germline): Likely benign (0 of 4 stars; one submission).

Conditions:
IDH2-related disorder. Also called: IDH2-related condition.

Submission:

PreventionGenetics, part of Exact Sciences
Classification: Likely benign for IDH2-related condition. Last evaluated: 2022-02-01. Review status: no assertion criteria provided. Collection method: clinical testing. Allele origin: germline.
Comment: This variant is classified as likely benign based on ACMG/AMP sequence variant interpretation guidelines (Richards et al. 2015 PMID: 25741868, with internal and published modifications).

NM_002168.4(IDH2):c.261A>C (p.Pro87=)

Gene: IDH2 (isocitrate dehydrogenase (NADP(+)) 2; minus strand). Cytogenetic location: 15q26.1.
Variant type: single nucleotide variant.
Coding change: c.261A>C on transcript NM_002168.4 (MANE Select); coding-DNA position 261, A replaced by C.
Protein change: p.Pro87=; no amino-acid change (proline 87 retained).
Molecular consequence: synonymous variant. On other transcripts: intron variant (1).
Genome position (GRCh38, 1-based): chr15:90,090,591, T>G on the plus strand (A>C on the coding strand, the complement: IDH2 is on the minus strand). VCF-style: chr15-90090591-T-G. GRCh37 (hg19) VCF-style: chr15-90633823-T-G.
Other names: c.105A>C, p.Pro35= (NM_001289910.1); c.-17-1844A>C (NM_001290114.2).
Identifiers: ClinVar variation 3034645 (VCV003034645.2), dbSNP rs2505796833, ClinGen allele CA492113232.